The following is an entry in ClinVar:

NM_000383.4(AIRE):c.167C>T (p.Pro56Leu)

Gene: AIRE (autoimmune regulator; plus strand). Cytogenetic location: 21q22.3.
Variant type: single nucleotide variant.
Coding change: c.167C>T on transcript NM_000383.4 (MANE Select); coding-DNA position 167, C replaced by T.
Protein change: p.Pro56Leu; replaces proline 56 with leucine.
Molecular consequence: missense variant.
Genome position (GRCh38, 1-based): chr21:44,286,591, C>T. VCF-style: chr21-44286591-C-T. GRCh37 (hg19) VCF-style: chr21-45706474-C-T.
Other names: c.167C>T (NM_000383.3); short protein forms P56L.
Identifiers: ClinVar variation 1023358 (VCV001023358.10), dbSNP rs2040484477, ClinGen allele CA410423272.

ClinVar aggregate classification (germline): Uncertain significance. Review status: criteria provided, single submitter (1 of 4 stars). 2 submissions from 2 submitters: Uncertain significance (1). 1 of the submissions does not count toward it. Last evaluated 2023-08-24.

Conditions:
AIRE-related disorder. Also called: AIRE-related condition.
Polyglandular autoimmune syndrome, type 1 (APS1). Also called: Whitaker syndrome; Autoimmune polyendocrinopathy syndrome , type I, with or without reversible metaphyseal dysplasia; AUTOIMMUNE POLYENDOCRINE SYNDROME, TYPE I, WITH OR WITHOUT REVERSIBLE METAPHYSEAL DYSPLASIA; HYPOADRENOCORTICISM WITH HYPOPARATHYROIDISM AND SUPERFICIAL MONILIASIS; PGA I; APS I. Identifiers: Orphanet 3453, MedGen C0085859, MONDO:0009411, OMIM 240300.

Allele frequency attached by ClinVar (database versions not stated): gnomAD exomes below 0.00001.
gnomAD v4.1: 1 of 1,612,754 alleles (0.000062%); highest among the groups gnomAD compares: South Asian, 0.0011%; no homozygotes.

Submissions (2):

Labcorp Genetics (formerly Invitae), Labcorp
Classification: Uncertain significance for Polyglandular autoimmune syndrome, type 1. Last evaluated: 2023-08-24. Review status: criteria provided, single submitter. Criteria: Invitae Variant Classification Sherloc (09022015). Collection method: clinical testing. Allele origin: germline.
Comment: This sequence change replaces proline, which is neutral and non-polar, with leucine, which is neutral and non-polar, at codon 56 of the AIRE protein (p.Pro56Leu). This variant is not present in population databases (gnomAD no frequency). This missense change has been observed in individual(s) with clinical features of autoimmune polyendocrinopathy syndrome (Invitae). In at least one individual the data is consistent with being in trans (on the opposite chromosome) from a pathogenic variant. ClinVar contains an entry for this variant (Variation ID: 1023358). Advanced modeling of protein sequence and biophysical properties (such as structural, functional, and spatial information, amino acid conservation, physicochemical variation, residue mobility, and thermodynamic stability) has been performed at Invitae for this missense variant, however the output from this modeling did not meet the statistical confidence thresholds required to predict the impact of this variant on AIRE protein function. In summary, the available evidence is currently insufficient to determine the role of this variant in disease. Therefore, it has been classified as a Variant of Uncertain Significance.

PreventionGenetics, part of Exact Sciences
Classification: Uncertain significance for AIRE-related condition. Last evaluated: 2023-12-11. Review status: no assertion criteria provided. Collection method: clinical testing. Allele origin: germline. Not counted in ClinVar's aggregate classification.
Comment: The AIRE c.167C>T variant is predicted to result in the amino acid substitution p.Pro56Leu. To our knowledge, this variant has not been reported in the literature or in a large population database, indicating this variant is rare. At this time, the clinical significance of this variant is uncertain due to the absence of conclusive functional and genetic evidence.